The following is an entry in ClinVar:

NM_000548.5(TSC2):c.456C>T (p.His152=)

Gene: TSC2 (TSC complex subunit 2; plus strand). Cytogenetic location: 16p13.3.
Variant type: single nucleotide variant.
Coding change: c.456C>T on transcript NM_000548.5 (MANE Select); coding-DNA position 456, C replaced by T.
Protein change: p.His152=; no amino-acid change (histidine 152 retained).
Molecular consequence: synonymous variant. On other transcripts: intron variant (1).
Genome position (GRCh38, 1-based): chr16:2,054,415, C>T. VCF-style: chr16-2054415-C-T. GRCh37 (hg19) VCF-style: chr16-2104416-C-T.
Other names: c.456C>T, p.His152= (NM_001077183.3, NM_001114382.3, NM_001363528.2 and 3 more transcripts); c.345C>T, p.His115= (NM_001318827.2); c.309C>T, p.His103= (NM_001318829.2); c.489C>T, p.His163= (NM_001318832.2); c.-1-1781C>T (NM_001318831.2).
Identifiers: ClinVar variation 703427 (VCV000703427.20), dbSNP rs1596265401, ClinGen allele CA492955697.
Genomic context (GRCh38, chr16:2,054,415, plus strand): 5'-CAACGAAGACCTTCACGAAAGGCTGGAGGTTTTCAAGGCCCTCACAGACAATGGGAGACA[C>T]ATCACCTACTTGGAGGAAGAGCTGGGTGGGTGCCACCTTGGGTTGGAGGTTTCTCTGGCC-3'
Protein context (NP_000539.2, residues 142-162): VFKALTDNGR[His152=]ITYLEEELAD

ClinVar aggregate classification (germline): Benign/Likely benign. Review status: criteria provided, multiple submitters, no conflicts (2 of 4 stars). 5 submissions from 5 submitters: Benign (2); Likely benign (3). Last evaluated 2025-11-17.

Conditions:
Tuberous sclerosis 2 (TSC2). Identifiers: Orphanet 805, MedGen C1860707, MONDO:0013199, OMIM 613254.
Hereditary cancer-predisposing syndrome. Also called: Tumor predisposition; Hereditary neoplastic syndrome; Neoplastic Syndromes, Hereditary; Hereditary Cancer Syndrome. Identifiers: Orphanet 140162, MedGen C0027672, MeSH D009386, MONDO:0015356.
Tuberous sclerosis syndrome (TSC). Also called: Tuberous Sclerosis Complex; Tuberous sclerosis. Identifiers: Orphanet 805, MedGen C0041341, MONDO:0001734.

Allele frequency attached by ClinVar (database versions not stated): gnomAD exomes 0.00001.
gnomAD v4.1: 8 of 1,614,222 alleles (0.0005%); highest among the groups gnomAD compares: Non-Finnish European, 0.00059%; no homozygotes.

Submissions (5):

Labcorp Genetics (formerly Invitae), Labcorp
Classification: Likely benign for Tuberous sclerosis 2. Last evaluated: 2025-11-17. Review status: criteria provided, single submitter. Criteria: Invitae Variant Classification Sherloc (09022015). Collection method: clinical testing. Allele origin: germline.

Myriad Genetics, Inc.
Classification: Benign for Tuberous sclerosis 2. Last evaluated: 2025-05-05. Review status: criteria provided, single submitter. Criteria: Myriad Autosomal Dominant, Autosomal Recessive and X-Linked Classification Criteria (2023). Collection method: clinical testing. Allele origin: unknown.
Comment: This variant is considered benign. This variant is a silent/synonymous amino acid change and it is not expected to impact splicing.

All of Us Research Program, National Institutes of Health
Classification: Likely benign for Tuberous sclerosis syndrome. Last evaluated: 2023-08-15. Review status: criteria provided, single submitter. Criteria: ACMG Guidelines, 2015. Collection method: clinical testing. Allele origin: germline. Inheritance: Autosomal dominant inheritance. Observed: 2 variant alleles, 2 heterozygotes.
Comment: This study involves interpretation of variants in research participants for the purpose of population health screening. Participant phenotype was not available at the time of variant classification. Additional details can be found in publication PMID: 35346344, PMCID: PMC8962531

Genome-Nilou Lab
Classification: Benign for Tuberous sclerosis 2. Last evaluated: 2021-11-07. Review status: criteria provided, single submitter. Criteria: ACMG Guidelines, 2015. Collection method: clinical testing. Allele origin: germline. Affected: no.

Ambry Genetics
Classification: Likely benign for Hereditary cancer-predisposing syndrome. Last evaluated: 2019-05-20. Review status: criteria provided, single submitter. Criteria: Ambry Variant Classification Scheme 2023. Collection method: clinical testing. Allele origin: germline.